The following is an entry in ClinVar:

NM_002381.5(MATN3):c.92T>C (p.Val31Ala)

Gene: MATN3 (matrilin 3; minus strand). Cytogenetic location: 2p24.1.
Variant type: single nucleotide variant.
Coding change: c.92T>C on transcript NM_002381.5 (MANE Select); coding-DNA position 92, T replaced by C.
Protein change: p.Val31Ala; replaces valine 31 with alanine.
Molecular consequence: missense variant.
Genome position (GRCh38, 1-based): chr2:20,012,540, A>G on the plus strand (T>C on the coding strand, the complement: MATN3 is on the minus strand). VCF-style: chr2-20012540-A-G. GRCh37 (hg19) VCF-style: chr2-20212301-A-G.
Other names: short protein forms V31A.
Identifiers: ClinVar variation 4713158 (VCV004713158.1).

ClinVar aggregate classification (germline): Uncertain significance (1 of 4 stars; one submission).

Submission:

Labcorp Genetics (formerly Invitae), Labcorp
Classification: Uncertain significance. Last evaluated: 2025-02-17. Review status: criteria provided, single submitter. Criteria: Invitae Variant Classification Sherloc (09022015). Collection method: clinical testing. Allele origin: germline.
Comment: This sequence change replaces valine, which is neutral and non-polar, with alanine, which is neutral and non-polar, at codon 31 of the MATN3 protein (p.Val31Ala). This variant is not present in population databases (gnomAD no frequency). This variant has not been reported in the literature in individuals affected with MATN3-related conditions. An algorithm developed to predict the effect of missense changes on protein structure and function (PolyPhen-2) suggests that this variant is likely to be tolerated. In summary, the available evidence is currently insufficient to determine the role of this variant in disease. Therefore, it has been classified as a Variant of Uncertain Significance.